The following is an entry in ClinVar:

NM_004963.4(GUCY2C):c.628G>A (p.Glu210Lys)

Genes: GUCY2C (guanylate cyclase 2C; minus strand), GUCY2C-AS1 (GUCY2C antisense RNA 1; plus strand). Cytogenetic location: 12p12.3.
Variant type: single nucleotide variant.
Coding change: c.628G>A on transcript NM_004963.4 (MANE Select); coding-DNA position 628, G replaced by A.
Protein change: p.Glu210Lys; replaces glutamic acid 210 with lysine.
Molecular consequence: missense variant.
Genome position (GRCh38, 1-based): chr12:14,681,461, C>T on the plus strand (G>A on the coding strand, the complement: GUCY2C is on the minus strand). VCF-style: chr12-14681461-C-T. GRCh37 (hg19) VCF-style: chr12-14834395-C-T.
Other names: short protein forms E210K.
Identifiers: ClinVar variation 376900 (VCV000376900.3), dbSNP rs1057520084, ClinGen allele CA16603205.

ClinVar aggregate classification (germline): Uncertain significance (1 of 4 stars; one submission).

Submission:

Center for Pediatric Genomic Medicine, Children's Mercy Hospital and Clinics
Classification: Uncertain significance. Last evaluated: 2016-07-12. Review status: criteria provided, single submitter. Criteria: ACMG Guidelines, 2015. Collection method: clinical testing. Allele origin: germline.
ClinVar note: Converted during submission from Uncertain Significance to Uncertain significance.